The following is an entry in ClinVar:

NM_002335.4(LRP5):c.98C>T (p.Pro33Leu)

Gene: LRP5 (LDL receptor related protein 5; plus strand). Cytogenetic location: 11q13.2.
Variant type: single nucleotide variant.
Coding change: c.98C>T on transcript NM_002335.4 (MANE Select); coding-DNA position 98, C replaced by T.
Protein change: p.Pro33Leu; replaces proline 33 with leucine.
Molecular consequence: missense variant. On other transcripts: 5 prime UTR variant (1).
Genome position (GRCh38, 1-based): chr11:68,347,853, C>T. VCF-style: chr11-68347853-C-T. GRCh37 (hg19) VCF-style: chr11-68115321-C-T.
Other names: c.-1668C>T (NM_001291902.2); short protein forms P33L.
Identifiers: ClinVar variation 279843 (VCV000279843.14), dbSNP rs753259758, ClinGen allele CA6148905.

ClinVar aggregate classification (germline): Uncertain significance. Review status: criteria provided, multiple submitters, no conflicts (2 of 4 stars). 6 submissions from 6 submitters: Uncertain significance (6). Last evaluated 2025-09-28.

Conditions:
Polycystic liver disease 4 with or without kidney cysts. Identifiers: MedGen C4693479, MONDO:0044327, OMIM 617875.
Exudative vitreoretinopathy 4 (EVR4). Identifiers: Orphanet 891, MedGen C1866176, MONDO:0011151, OMIM 601813.
Osteoporosis with pseudoglioma (OPPG). Also called: osteoporosis-pseudoglioma syndrome. Identifiers: Orphanet 2788, MedGen C0432252, MONDO:0009820, OMIM 259770.
Bone mineral density quantitative trait locus 1 (BMND1). Identifiers: MedGen C1866079, OMIM 601884.
Autosomal dominant osteopetrosis 1 (OPTA1). Also called: OSTEOPETROSIS, AUTOSOMAL DOMINANT, TYPE I. Identifiers: Orphanet 2783, MedGen C1843330, MONDO:0011877, OMIM 607634.
Worth disease. Also called: Autosomal dominant osteosclerosis, Worth type; ENDOSTEAL HYPEROSTOSIS, AUTOSOMAL DOMINANT; OSTEOSCLEROSIS, AUTOSOMAL DOMINANT. Identifiers: Orphanet 2790, MedGen C0432273, MONDO:0007764, OMIM 144750.
Inborn genetic diseases. Identifiers: MedGen C0950123, MeSH D030342.

Allele frequency attached by ClinVar (database versions not stated): gnomAD exomes below 0.00001 and 0.00001; ExAC 0.00001; gnomAD 0.00001; TOPMed 0.00001.
gnomAD v4.1: 9 of 1,613,210 alleles (0.00056%); highest among the groups gnomAD compares: Non-Finnish European, 0.00076%; no homozygotes.

Submissions (6):

Ambry Genetics
Classification: Uncertain significance for Inborn genetic diseases. Last evaluated: 2025-09-28. Review status: criteria provided, single submitter. Criteria: Ambry Variant Classification Scheme 2023. Collection method: clinical testing. Allele origin: germline.

Labcorp Genetics (formerly Invitae), Labcorp
Classification: Uncertain significance. Last evaluated: 2025-03-18. Review status: criteria provided, single submitter. Criteria: Invitae Variant Classification Sherloc (09022015). Collection method: clinical testing. Allele origin: germline.
Comment: This sequence change replaces proline, which is neutral and non-polar, with leucine, which is neutral and non-polar, at codon 33 of the LRP5 protein (p.Pro33Leu). This variant is present in population databases (rs753259758, gnomAD 0.002%). This variant has not been reported in the literature in individuals affected with LRP5-related conditions. ClinVar contains an entry for this variant (Variation ID: 279843). Invitae Evidence Modeling of protein sequence and biophysical properties (such as structural, functional, and spatial information, amino acid conservation, physicochemical variation, residue mobility, and thermodynamic stability) has been performed for this missense variant. However, the output from this modeling did not meet the statistical confidence thresholds required to predict the impact of this variant on LRP5 protein function. In summary, the available evidence is currently insufficient to determine the role of this variant in disease. Therefore, it has been classified as a Variant of Uncertain Significance.

Fulgent Genetics
Classification: Uncertain significance for Worth disease; Osteoporosis with pseudoglioma; Exudative vitreoretinopathy 4; Bone mineral density quantitative trait locus 1; Autosomal dominant osteopetrosis 1; Polycystic liver disease 4 with or without kidney cysts. Last evaluated: 2024-04-23. Review status: criteria provided, single submitter. Criteria: ACMG Guidelines, 2015. Collection method: clinical testing. Allele origin: germline.

Women's Health and Genetics/Laboratory Corporation of America, LabCorp
Classification: Uncertain significance. Last evaluated: 2023-11-15. Review status: criteria provided, single submitter. Criteria: LabCorp Variant Classification Summary - May 2015. Collection method: clinical testing. Allele origin: germline.
Comment: Variant summary: LRP5 c.98C>T (p.Pro33Leu) results in a non-conservative amino acid change in the encoded protein sequence. Four of five in-silico tools predict a damaging effect of the variant on protein function. The variant allele was found at a frequency of 4e-06 in 247466 control chromosomes. The available data on variant occurrences in the general population are insufficient to allow any conclusion about variant significance. To our knowledge, no occurrence of c.98C>T in individuals affected with LRP5-related conditions and no experimental evidence demonstrating its impact on protein function have been reported. Two submitters have cited clinical-significance assessments for this variant to ClinVar after 2014; both submitters classified the variant as uncertain significance. Based on the evidence outlined above, the variant was classified as uncertain significance.

Blueprint Genetics
Classification: Uncertain significance. Last evaluated: 2023-11-07. Review status: criteria provided, single submitter. Criteria: ACMG Guidelines, 2015. Collection method: clinical testing. Allele origin: germline.

GeneDx
Classification: Uncertain significance. Last evaluated: 2016-03-14. Review status: criteria provided, single submitter. Criteria: GeneDx Variant Classification (06012015). Collection method: clinical testing. Allele origin: germline. Affected: yes.
Comment: The P33L variant in the LRP5 gene has not been published as a pathogenic variant, nor has it been reported as a benign substitution to our knowledge. The P33L variant was not observed in approximately 6500 individuals of European and African American ancestry in the NHLBI Exome Sequencing Project, indicating it is not a common benign variant in these populations. A missense variant in a nearby residue (A29T) has been reported in the Human Gene Mutation Database in association with LRP5-related disorder (Stenson et al., 2014), supporting the functional importance of this region of the protein. The P33L variant is a semi-conservative amino acid substitution, which may impact secondary protein structure as these residues differ in some properties. This substitution occurs at a position that is conserved across species. However, in silico analysis is inconsistent in its predictions as to whether or not the variant is damaging to the protein structure/function. We interpret P33L as a variant of unknown significance.